The following is an entry in ClinVar:

ClinVar aggregate classification (germline): Likely benign (1 of 4 stars; one submission).

Allele frequency attached by ClinVar (database versions not stated): gnomAD exomes below 0.00001.
gnomAD v4.1: 1 of 1,614,038 alleles (0.000062%); highest among the groups gnomAD compares: Non-Finnish European, 0.000085%; no homozygotes.

Submission:

CeGaT Center for Human Genetics Tuebingen
Classification: Likely benign. Last evaluated: 2023-02-01. Review status: criteria provided, single submitter. Criteria: CeGaT Center For Human Genetics Tuebingen Variant Classification Criteria Version 2. Collection method: clinical testing. Allele origin: germline. Affected: yes. Observed: 1 variant allele.
Comment: LAMC2: PM2:Supporting, BP4, BP7

NM_005562.3(LAMC2):c.1536G>A (p.Arg512=)

Gene: LAMC2 (laminin subunit gamma 2; plus strand). Cytogenetic location: 1q25.3.
Variant type: single nucleotide variant.
Coding change: c.1536G>A on transcript NM_005562.3 (MANE Select); coding-DNA position 1536, G replaced by A.
Protein change: p.Arg512=; no amino-acid change (arginine 512 retained).
Molecular consequence: synonymous variant.
Genome position (GRCh38, 1-based): chr1:183,228,441, G>A. VCF-style: chr1-183228441-G-A. GRCh37 (hg19) VCF-style: chr1-183197576-G-A.
Other names: c.1536G>A, p.Arg512= (NM_018891.3).
Identifiers: ClinVar variation 2639627 (VCV002639627.24), dbSNP rs2526069621, ClinGen allele CA422118768.